The following is an entry in ClinVar:

NM_001379200.1(TBX1):c.233C>G (p.Ala78Gly)

Gene: TBX1 (T-box transcription factor 1; plus strand). Cytogenetic location: 22q11.21.
Variant type: single nucleotide variant.
Coding change: c.233C>G on transcript NM_001379200.1 (MANE Select); coding-DNA position 233, C replaced by G.
Protein change: p.Ala78Gly; replaces alanine 78 with glycine.
Molecular consequence: missense variant.
Genome position (GRCh38, 1-based): chr22:19,761,076, C>G. VCF-style: chr22-19761076-C-G. GRCh37 (hg19) VCF-style: chr22-19748599-C-G.
Other names: c.206C>G, p.Ala69Gly (NM_005992.1, NM_080646.2, NM_080647.1); short protein forms A69G, A78G.
Identifiers: ClinVar variation 1785346 (VCV001785346.2), dbSNP rs1936643376, ClinGen allele CA410681428.

ClinVar aggregate classification (germline): Uncertain significance (1 of 4 stars; one submission).

Conditions:
Cardiovascular phenotype. Identifiers: MedGen CN230736.

Allele frequency attached by ClinVar (database versions not stated): TOPMed below 0.00001.

Submission:

Ambry Genetics
Classification: Uncertain significance for Cardiovascular phenotype. Last evaluated: 2021-12-18. Review status: criteria provided, single submitter. Criteria: Ambry Variant Classification Scheme 2023. Collection method: clinical testing. Allele origin: germline.
Comment: The p.A69G variant (also known as c.206C>G), located in coding exon 2 of the TBX1 gene, results from a C to G substitution at nucleotide position 206. The alanine at codon 69 is replaced by glycine, an amino acid with similar properties. This amino acid position is conserved. In addition, this alteration is predicted to be tolerated by in silico analysis. Since supporting evidence is limited at this time, the clinical significance of this alteration remains unclear.